The following is an entry in ClinVar:

NM_014009.4(FOXP3):c.590G>A (p.Gly197Asp)

Gene: FOXP3 (forkhead box P3; minus strand). Cytogenetic location: Xp11.23.
Variant type: single nucleotide variant.
Coding change: c.590G>A on transcript NM_014009.4 (MANE Select); coding-DNA position 590, G replaced by A.
Protein change: p.Gly197Asp; replaces glycine 197 with aspartic acid.
Molecular consequence: missense variant.
Genome position (GRCh38, 1-based): chrX:49,256,808, C>T on the plus strand (G>A on the coding strand, the complement: FOXP3 is on the minus strand). VCF-style: chrX-49256808-C-T. GRCh37 (hg19) VCF-style: chrX-49113265-C-T.
Other names: c.485G>A, p.Gly162Asp (NM_001114377.2); short protein forms G162D, G197D.
Identifiers: ClinVar variation 5019875 (VCV005019875.2).

ClinVar aggregate classification (germline): Uncertain significance (1 of 4 stars; one submission).

Conditions:
Insulin-dependent diabetes mellitus secretory diarrhea syndrome (IPEX). Also called: Immunodysregulation, polyendocrinopathy, and enteropathy, X-linked; IMMUNODEFICIENCY, POLYENDOCRINOPATHY, AND ENTEROPATHY, X-LINKED; DIABETES MELLITUS, CONGENITAL INSULIN-DEPENDENT, WITH FATAL SECRETORY DIARRHEA; DIARRHEA, POLYENDOCRINOPATHY, FATAL INFECTION SYNDROME, X-LINKED; ENTEROPATHY, AUTOIMMUNE, WITH HEMOLYTIC ANEMIA AND POLYENDOCRINOPATHY; X-Linked Autoimmunity-Allergic Dysregulation Syndrome. Identifiers: Orphanet 37042, MedGen C0342288, MONDO:0010580, OMIM 304790. Disease mechanism: loss of function.

Submission:

Juno Genomics, Hangzhou Juno Genomics, Inc
Classification: Uncertain significance for Insulin-dependent diabetes mellitus secretory diarrhea syndrome. Review status: criteria provided, single submitter. Criteria: ACMG Guidelines, 2015. Collection method: clinical testing. Allele origin: germline.
Comment: Absent from controls (or at extremely low frequency if recessive) in Genome Aggregation Database.;Multiple lines of computational evidence support a deleterious effect on the gene or gene product.